The following is an entry in ClinVar:

NM_001267550.2(TTN):c.626C>T (p.Ser209Leu)

Gene: TTN (titin; minus strand). Cytogenetic location: 2q31.2.
Variant type: single nucleotide variant.
Coding change: c.626C>T on transcript NM_001267550.2 (MANE Select); coding-DNA position 626, C replaced by T.
Protein change: p.Ser209Leu; replaces serine 209 with leucine.
Molecular consequence: missense variant.
Genome position (GRCh38, 1-based): chr2:178,799,868, G>A on the plus strand (C>T on the coding strand, the complement: TTN is on the minus strand). VCF-style: chr2-178799868-G-A. GRCh37 (hg19) VCF-style: chr2-179664595-G-A.
Other names: c.626C>T, p.Ser209Leu (NM_001256850.1, NM_003319.4, NM_133378.4 and 3 more transcripts); short protein forms S209L.
Identifiers: ClinVar variation 497831 (VCV000497831.7), dbSNP rs372632047, ClinGen allele CA2006271.

ClinVar aggregate classification (germline): Uncertain significance. Review status: criteria provided, multiple submitters, no conflicts (2 of 4 stars). 2 submissions from 2 submitters: Uncertain significance (2). Last evaluated 2019-09-24.

Conditions:
Cardiovascular phenotype. Identifiers: MedGen CN230736.

Allele frequency attached by ClinVar (database versions not stated): gnomAD exomes 0.00002; ExAC 0.00001; ESP Exome Variant Server 0.00008; TOPMed 0.00004.
gnomAD v4.1: 33 of 1,614,092 alleles (0.002%); highest among the groups gnomAD compares: Non-Finnish European, 0.0026%; no homozygotes.

Submissions (2):

Ambry Genetics
Classification: Uncertain significance for Cardiovascular phenotype. Last evaluated: 2019-09-24. Review status: criteria provided, single submitter. Criteria: Ambry Variant Classification Scheme 2023. Collection method: clinical testing. Allele origin: germline.
Comment: The p.S209L variant (also known as c.626C>T), located in coding exon 4 of the TTN gene, results from a C to T substitution at nucleotide position 626. The serine at codon 209 is replaced by leucine, an amino acid with dissimilar properties. This amino acid position is highly conserved in available vertebrate species. In addition, the in silico prediction for this alteration is inconclusive. Since supporting evidence is limited at this time, the clinical significance of this alteration remains unclear.

Eurofins Ntd Llc (ga)
Classification: Uncertain significance. Last evaluated: 2016-12-07. Review status: criteria provided, single submitter. Criteria: EGL Classification Definitions 2015. Collection method: clinical testing. Allele origin: germline. Observed: 2 variant alleles, 2 heterozygotes.